The following is an entry in ClinVar:

NM_001385012.1(NBEA):c.681C>T (p.His227=)

Gene: NBEA (neurobeachin; plus strand). Cytogenetic location: 13q13.3.
Variant type: single nucleotide variant.
Coding change: c.681C>T on transcript NM_001385012.1 (MANE Select); coding-DNA position 681, C replaced by T.
Protein change: p.His227=; no amino-acid change (histidine 227 retained).
Molecular consequence: synonymous variant.
Genome position (GRCh38, 1-based): chr13:35,045,359, C>T. VCF-style: chr13-35045359-C-T. GRCh37 (hg19) VCF-style: chr13-35619496-C-T.
Other names: c.681C>T, p.His227= (NM_001379245.1, NM_015678.5).
Identifiers: ClinVar variation 3025945 (VCV003025945.22), dbSNP rs535200567, ClinGen allele CA248119428.

ClinVar aggregate classification (germline): Likely benign (1 of 4 stars; one submission).

Allele frequency attached by ClinVar (database versions not stated): gnomAD 0.00002.
gnomAD v4.1: 56 of 1,612,442 alleles (0.0035%); highest among the groups gnomAD compares: Middle Eastern, 0.017%; no homozygotes.

Submission:

CeGaT Center for Human Genetics Tuebingen
Classification: Likely benign. Last evaluated: 2024-01-01. Review status: criteria provided, single submitter. Criteria: CeGaT Center For Human Genetics Tuebingen Variant Classification Criteria Version 2. Collection method: clinical testing. Allele origin: germline. Affected: yes. Observed: 1 variant allele.
Comment: NBEA: BP4, BP7